The following is an entry in ClinVar:

NM_001085458.2(CTNND1):c.1007G>A (p.Trp336Ter)

Genes: CTNND1 (catenin delta 1; plus strand), TMX2-CTNND1 (TMX2-CTNND1 readthrough (NMD candidate); plus strand). Cytogenetic location: 11q12.1.
Variant type: single nucleotide variant.
Coding change: c.1007G>A on transcript NM_001085458.2 (MANE Select); coding-DNA position 1007, G replaced by A.
Protein change: p.Trp336Ter; replaces tryptophan 336 with a stop codon.
Molecular consequence: nonsense. On other transcripts: non-coding transcript variant (1).
Genome position (GRCh38, 1-based): chr11:57,801,783, G>A. VCF-style: chr11-57801783-G-A. GRCh37 (hg19) VCF-style: chr11-57569255-G-A.
Other names: c.1007G>A, p.Trp336Ter (NM_001085459.2, NM_001085460.2, NM_001085461.2 and 3 more transcripts); c.704G>A, p.Trp235Ter (NM_001085463.2, NM_001085464.2, NM_001085465.2 and 5 more transcripts); c.845G>A, p.Trp282Ter (NM_001206883.2, NM_001206884.2, NM_001206886.2 and 4 more transcripts); short protein forms W235*, W282*, W336*.
Identifiers: ClinVar variation 834012 (VCV000834012.2), dbSNP rs2062048292, ClinGen allele CA380725215.

ClinVar aggregate classification (germline): Likely pathogenic. Review status: criteria provided, single submitter (1 of 4 stars). 2 submissions from 2 submitters: Likely pathogenic (1). 1 of the submissions does not count toward it.

Conditions:
Cleft lip with or without cleft palate. Identifiers: Orphanet 1991, MedGen C0810364, MONDO:0016034.
Blepharocheilodontic syndrome 2 (BCDS2). Identifiers: MedGen C4540127, MONDO:0040503, OMIM 617681.

Submissions (2):

Juno Genomics, Hangzhou Juno Genomics, Inc
Classification: Likely pathogenic for Blepharocheilodontic syndrome 2. Review status: criteria provided, single submitter. Criteria: ACMG Guidelines, 2015. Collection method: clinical testing. Allele origin: germline. Affected: yes.
Comment: Absent from controls (or at extremely low frequency if recessive) in Genome Aggregation Database, Exome Sequencing Project, 1000 Genomes Project, or Exome Aggregation Consortium.;The prevalence of the variant in affected individuals is significantly increased compared to the prevalence in controls.;Patient's phenotype or family history is highly specific for a disease with a single genetic etiology.;Co-segregation with disease in multiple affected family members in a gene definitively known to cause the disease.;Null variant in a gene where loss of function (LOF) is a known mechanism of disease.

University of Washington Center for Mendelian Genomics, University of Washington
Classification: Pathogenic for Cleft Lip with or without Cleft Palate. Review status: no assertion criteria provided. Collection method: research. Allele origin: inherited. Affected: yes. Not counted in ClinVar's aggregate classification.

Literature cited by the submitters: PubMed 29805042 (cited by University of Washington Center for Mendelian Genomics, University of Washington).